The following is an entry in ClinVar:

ClinVar aggregate classification (germline): Pathogenic/Likely pathogenic. Review status: criteria provided, multiple submitters, no conflicts (2 of 4 stars). 2 submissions from 2 submitters: Pathogenic (1); Likely pathogenic (1). Last evaluated 2025-10-21.

Conditions:
Niemann-Pick disease, type C1. Also called: NEUROVISCERAL STORAGE DISEASE WITH VERTICAL SUPRANUCLEAR OPHTHALMOPLEGIA; NIEMANN-PICK DISEASE WITH CHOLESTEROL ESTERIFICATION BLOCK; NIEMANN-PICK DISEASE WITHOUT SPHINGOMYELINASE DEFICIENCY; NIEMANN-PICK DISEASE, CHRONIC NEURONOPATHIC FORM; NIEMANN-PICK DISEASE, VARIANT TYPE C1. Identifiers: Orphanet 646, MedGen C3179455, MONDO:0009757, OMIM 257220.

Submissions (2):

Natera, Inc.
Classification: Likely pathogenic for Niemann-Pick disease type C1. Last evaluated: 2025-10-21. Review status: criteria provided, single submitter. Criteria: Natera Variant Classification Schema (03/2026). Collection method: clinical testing. Allele origin: germline.
Comment: The c.1765_1768del variant in NPC1 is a frameshift variant predicted to shift the reading frame beginning at codon 589 and leads to a stop codon 2 codons downstream. This variant is expected to result in nonsense mediated decay, truncation, or a dysfunctional protein product. This variant is rare in the general population with a frequency below the threshold expected for the associated phenotype(s). Given the available evidence, this variant is classified as Likely Pathogenic.

Myriad Genetics, Inc.
Classification: Pathogenic for Niemann-Pick disease, type C1. Last evaluated: 2024-06-27. Review status: criteria provided, single submitter. Criteria: Myriad Autosomal Dominant, Autosomal Recessive and X-Linked Classification Criteria (2023). Collection method: clinical testing. Allele origin: unknown.
Comment: NM_000271.4(NPC1):c.1765_1768delAATT(N589Lfs*2) is expected to be pathogenic in the context of Niemann-Pick disease type C1. This variant is predicted to lead to an abnormal or absent protein product due to the creation of a premature termination codon in NPC1, a gene where loss-of-function variants are known to be pathogenic. Please note: this variant was assessed in the context of healthy population screening.

NM_000271.5(NPC1):c.1765_1768del (p.Asn589fs)

Gene: NPC1 (NPC intracellular cholesterol transporter 1; minus strand). Cytogenetic location: 18q11.2.
Variant type: Deletion.
Coding change: c.1765_1768del on transcript NM_000271.5 (MANE Select); coding-DNA positions 1765 to 1768, 4 bases deleted (AATT; older notation c.1765_1768delAATT).
Protein change: p.Asn589fs; shifts the reading frame from asparagine 589.
Molecular consequence: frameshift variant.
Genome position (GRCh38, 1-based): chr18:23,545,139-23,545,142, AATT deleted on the plus strand (AATT on the coding strand, the reverse complement: NPC1 is on the minus strand); deleting any 4 consecutive bases within chr18:23,545,139-23,545,145 gives the same sequence; the c. name uses the placement nearest the transcript's 3' end. VCF-style (leftmost placement, unchanged base first): chr18-23545138-AAATT-A. GRCh37 (hg19) VCF-style: chr18-21125102-AAATT-A.
Other names: short protein forms N589fs.
Identifiers: ClinVar variation 4818049 (VCV004818049.2).
Genomic context (GRCh38, chr18:23,545,138, plus strand): 5'-TCAATACTTCGTTCAGCAGTGAAGGAAATGGTCAGATTGGGATTCTTGTAGTTTTTCACA[AAATT>A]AATAAACCTAAAAGGTAAGCAAAATGTTATATTTTTAGTTAAACTAACTGACAGCTAAGT-3'